The following is an entry in ClinVar:

ClinVar aggregate classification (germline): Uncertain significance. Review status: criteria provided, multiple submitters, no conflicts (2 of 4 stars). 2 submissions from 2 submitters: Uncertain significance (2). Last evaluated 2025-09-21.

Conditions:
Cardiovascular phenotype. Identifiers: MedGen CN230736.

Allele frequency attached by ClinVar (database versions not stated): gnomAD exomes below 0.00001.

Submissions (2):

Ambry Genetics
Classification: Uncertain significance for Cardiovascular phenotype. Last evaluated: 2025-09-21. Review status: criteria provided, single submitter. Criteria: Ambry Variant Classification Scheme 2023. Collection method: clinical testing. Allele origin: germline.
Comment: The p.P243S variant (also known as c.727C>T), located in coding exon 5 of the FKTN gene, results from a C to T substitution at nucleotide position 727. The proline at codon 243 is replaced by serine, an amino acid with similar properties. This amino acid position is conserved. In addition, this alteration is predicted to be tolerated by in silico analysis. Based on the available evidence, the clinical significance of this variant remains unclear.

Eurofins Ntd Llc (ga)
Classification: Uncertain significance. Last evaluated: 2017-10-03. Review status: criteria provided, single submitter. Criteria: EGL Classification Definitions 2015. Collection method: clinical testing. Allele origin: germline. Observed: 1 variant allele, 1 heterozygote.

NM_001079802.2(FKTN):c.727C>T (p.Pro243Ser)

Gene: FKTN (fukutin; plus strand). Cytogenetic location: 9q31.2.
Variant type: single nucleotide variant.
Coding change: c.727C>T on transcript NM_001079802.2 (MANE Select); coding-DNA position 727, C replaced by T.
Protein change: p.Pro243Ser; replaces proline 243 with serine.
Molecular consequence: missense variant. On other transcripts: non-coding transcript variant (2).
Genome position (GRCh38, 1-based): chr9:105,607,898, C>T. VCF-style: chr9-105607898-C-T. GRCh37 (hg19) VCF-style: chr9-108370179-C-T.
Other names: c.727C>T, p.Pro243Ser (NM_001198963.2, NM_001351496.2, NM_001351498.2 and 1 more transcripts); c.658C>T, p.Pro220Ser (NM_001351497.2); c.331C>T, p.Pro111Ser (NM_001351499.2, NM_001351500.2, NM_001351501.2 and 1 more transcripts); c.727C>T (NM_001079802.1); short protein forms P243S, P111S, P220S.
Identifiers: ClinVar variation 594268 (VCV000594268.6), dbSNP rs1564301303, ClinGen allele CA374332628.